The following is an entry in ClinVar:

ClinVar aggregate classification (germline): Likely benign. Review status: criteria provided, multiple submitters, no conflicts (2 of 4 stars). 4 submissions from 4 submitters: Likely benign (3). 1 of the submissions does not count toward it. Last evaluated 2026-01-18.

Conditions:
ARL13B-related disorder. Also called: ARL13B-related condition.
Joubert syndrome 8 (JBTS8). Identifiers: Orphanet 475, MedGen C2676771, MONDO:0012855, OMIM 612291.

Allele frequency attached by ClinVar (database versions not stated): ESP Exome Variant Server 0.00031; TOPMed 0.00035; gnomAD 0.00049 and 0.00050; gnomAD exomes 0.00068 and 0.00089; ExAC 0.00119.
gnomAD v4.1: 1,080 of 1,606,368 alleles (0.067%); highest among the groups gnomAD compares: Non-Finnish European, 0.068%; 3 homozygotes.

Submissions (4):

Labcorp Genetics (formerly Invitae), Labcorp
Classification: Likely benign for Joubert syndrome 8. Last evaluated: 2026-01-18. Review status: criteria provided, single submitter. Criteria: Invitae Variant Classification Sherloc (09022015). Collection method: clinical testing. Allele origin: germline.

Laboratory of Genetics, Children's Clinical University Hospital Latvia
Classification: Likely benign. Last evaluated: 2025-02-16. Review status: criteria provided, single submitter. Criteria: ACMG Guidelines, 2015. Collection method: clinical testing. Allele origin: germline. Affected: yes.

Blueprint Genetics
Classification: Likely benign. Last evaluated: 2024-10-18. Review status: criteria provided, single submitter. Criteria: ACMG Guidelines, 2015. Collection method: clinical testing. Allele origin: germline.

PreventionGenetics, part of Exact Sciences
Classification: Likely benign for ARL13B-related condition. Last evaluated: 2022-11-08. Review status: no assertion criteria provided. Collection method: clinical testing. Allele origin: germline. Not counted in ClinVar's aggregate classification.
Comment: This variant is classified as likely benign based on ACMG/AMP sequence variant interpretation guidelines (Richards et al. 2015 PMID: 25741868, with internal and published modifications).

NM_001174150.2(ARL13B):c.1045A>G (p.Lys349Glu)

Gene: ARL13B (ARF like GTPase 13B; plus strand). Cytogenetic location: 3q11.2.
Variant type: single nucleotide variant.
Coding change: c.1045A>G on transcript NM_001174150.2 (MANE Select); coding-DNA position 1045, A replaced by G.
Protein change: p.Lys349Glu; replaces lysine 349 with glutamic acid.
Molecular consequence: missense variant. On other transcripts: non-coding transcript variant (2).
Genome position (GRCh38, 1-based): chr3:94,049,426, A>G. VCF-style: chr3-94049426-A-G. GRCh37 (hg19) VCF-style: chr3-93768270-A-G.
Other names: c.736A>G, p.Lys246Glu (NM_001174151.2); c.1000A>G, p.Lys334Glu (NM_001321328.2); c.724A>G, p.Lys242Glu (NM_144996.4); c.1045A>G, p.Lys349Glu (NM_182896.3); short protein forms K349E, K242E, K246E, K334E.
Identifiers: ClinVar variation 346912 (VCV000346912.14), dbSNP rs139063474, ClinGen allele CA2504249.